The following is an entry in ClinVar:

NM_000059.4(BRCA2):c.9466_9467insTTTTTTTTTTTTTTTTTTTTNNNNNNNNNNAGACGGGGTTTCACCTTGTTAGCCAGGATGGTCTCGATCTCCTGACCTCATGATCCACCCGCCTCGGCCTCCCAAAGTGCTGGGATTACAGGCGTGAGCCACCGCGCCCGGCCAAGAGGGCCACTTTC (p.Gln3156delinsLeuPhePhePhePhePhePheXaaXaaXaaXaaThrGlyPheHisLeuValSerGlnAspGlyLeuAspLeuLeuThrSerTer)

Gene: BRCA2 (BRCA2 DNA repair associated; plus strand). Cytogenetic location: 13q13.1.
Variant type: Insertion.
Coding change: c.9466_9467insTTTTTTTTTTTTTTTTTTTTNNNNNNNNNNAGACGGGGTTTCACCTTGTTAGCCAGGATGGTCTCGATCTCCTGACCTCATGATCCACCCGCCTCGGCCTCCCAAAGTGCTGGGATTACAGGCGTGAGCCACCGCGCCCGGCCAAGAGGGCCACTTTC on transcript NM_000059.4 (MANE Select); coding-DNA positions 9466 to 9467, TTTTTTTTTTTTTTTTTTTTNNNNNNNNNNAGACGGGGTTTCACCTTGTTAGCCAGGATGGTCTCGATCTCCTGACCTCATGATCCACCCGCCTCGGCCTCCCAAAGTGCTGGGATTACAGGCGTGAGCCACCGCGCCCGGCCAAGAGGGCCACTTTC inserted.
Protein change: p.Gln3156delinsLeuPhePhePhePhePhePheXaaXaaXaaXaaThrGlyPheHisLeuValSerGlnAspGlyLeuAspLeuLeuThrSerTer.
Molecular consequence: nonsense.
Genome position: GRCh38: chr13:32,394,898-32,394,899. GRCh37 (hg19): chr13:32,969,035-32,969,036.
Identifiers: ClinVar variation 1074179 (VCV001074179.7), dbSNP rs2137654181.

ClinVar aggregate classification (germline): Pathogenic (1 of 4 stars; one submission).

Conditions:
Hereditary breast ovarian cancer syndrome. Also called: Hereditary breast and ovarian cancer syndrome (HBOC); Hereditary breast and/or ovarian cancer syndrome; Hereditary breast and ovarian cancer; BRCA1- and BRCA2-Associated Hereditary Breast and Ovarian Cancer; Hereditary breast and ovarian cancer syndrome; Breast and ovarian cancer. Identifiers: Orphanet 145, MedGen C0677776, MeSH D061325, MONDO:0003582. Disease mechanism: loss of function.

Submission:

Labcorp Genetics (formerly Invitae), Labcorp
Classification: Pathogenic for Hereditary breast ovarian cancer syndrome. Last evaluated: 2023-02-12. Review status: criteria provided, single submitter. Criteria: Invitae Variant Classification Sherloc (09022015). Collection method: clinical testing. Allele origin: germline.
Comment: This sequence change inserts a large fragment of DNA, likely a transposable element, in exon 25 of the BRCA2 gene (c.9466_9467ins?), causing a frameshift at codon 3156 (p.Gln3156fs). The exact size and sequence of the insertion cannot be determined by the current assay. However, the insertion is expected to result in an absent or disrupted protein product. This variant has not been reported in the literature in individuals affected with BRCA2-related conditions. Retrotransposon insertions including LINE1 (L1), Alu, and SVA (SINE-VNTR-Alu) have been reported to be disease-causing through disruption of either a coding region or splice site (PMID: 19763152, 20307669, 22406018) and loss-of-function variants in BRCA2 are known to be pathogenic (PMID: 20104584). For these reasons, this variant has been classified as Pathogenic.

Literature cited by the submitters: PubMed 19763152; PubMed 20307669; PubMed 22406018; PubMed 20104584.